The following is an entry in ClinVar:

ClinVar aggregate classification (germline): Conflicting classifications of pathogenicity. Review status: criteria provided, conflicting classifications (1 of 4 stars). 2 submissions from 2 submitters: Uncertain significance (1); Likely benign (1). Last evaluated 2026-02-09.

Conditions:
Hereditary cancer-predisposing syndrome. Also called: Hereditary Cancer Syndrome; Neoplastic Syndromes, Hereditary; Tumor predisposition; Hereditary neoplastic syndrome. Identifiers: Orphanet 140162, MedGen C0027672, MeSH D009386, MONDO:0015356.

Submissions (2):

Ambry Genetics
Classification: Likely benign for Hereditary cancer-predisposing syndrome. Last evaluated: 2026-02-09. Review status: criteria provided, single submitter. Criteria: Ambry Variant Classification Scheme 2023. Collection method: clinical testing. Allele origin: germline.

Labcorp Genetics (formerly Invitae), Labcorp
Classification: Uncertain significance. Last evaluated: 2024-03-02. Review status: criteria provided, single submitter. Criteria: Invitae Variant Classification Sherloc (09022015). Collection method: clinical testing. Allele origin: germline.
Comment: This sequence change replaces arginine, which is basic and polar, with lysine, which is basic and polar, at codon 672 of the POLE protein (p.Arg672Lys). This variant is not present in population databases (gnomAD no frequency). This variant has not been reported in the literature in individuals affected with POLE-related conditions. Advanced modeling of protein sequence and biophysical properties (such as structural, functional, and spatial information, amino acid conservation, physicochemical variation, residue mobility, and thermodynamic stability) performed at Invitae indicates that this missense variant is not expected to disrupt POLE protein function with a negative predictive value of 80%. In summary, the available evidence is currently insufficient to determine the role of this variant in disease. Therefore, it has been classified as a Variant of Uncertain Significance.

NM_006231.4(POLE):c.2015G>A (p.Arg672Lys)

Gene: POLE (DNA polymerase epsilon, catalytic subunit; minus strand). Cytogenetic location: 12q24.33.
Variant type: single nucleotide variant.
Coding change: c.2015G>A on transcript NM_006231.4 (MANE Select); coding-DNA position 2015, G replaced by A.
Protein change: p.Arg672Lys; replaces arginine 672 with lysine.
Molecular consequence: missense variant.
Genome position (GRCh38, 1-based): chr12:132,668,646, C>T on the plus strand (G>A on the coding strand, the complement: POLE is on the minus strand). VCF-style: chr12-132668646-C-T. GRCh37 (hg19) VCF-style: chr12-133245232-C-T.
Other names: c.2015G>A (NM_006231.2); short protein forms R672K.
Identifiers: ClinVar variation 3644144 (VCV003644144.3).